The following is an entry in ClinVar:

NM_000474.4(TWIST1):c.330G>A (p.Arg110=)

Gene: TWIST1 (twist family bHLH transcription factor 1; minus strand). Cytogenetic location: 7p21.1.
Variant type: single nucleotide variant.
Coding change: c.330G>A on transcript NM_000474.4 (MANE Select); coding-DNA position 330, G replaced by A.
Protein change: p.Arg110=; no amino-acid change (arginine 110 retained).
Molecular consequence: synonymous variant. On other transcripts: non-coding transcript variant (1).
Genome position (GRCh38, 1-based): chr7:19,116,992, C>T on the plus strand (G>A on the coding strand, the complement: TWIST1 is on the minus strand). VCF-style: chr7-19116992-C-T. GRCh37 (hg19) VCF-style: chr7-19156615-C-T.
Identifiers: ClinVar variation 1170174 (VCV001170174.32), dbSNP rs199932465, ClinGen allele CA4174501.
Genomic context (GRCh38, chr7:19,116,992, plus strand): 5'-CGCGGCGAACGCCTCGTTCAGCGACTGGGTGCGCTGGCGCTCCCGCACGTTGGCCATGAC[C>T]CGCTGCGTCTGCAGCTCCTCGTAAGACTGCGGACTCCCGCCGCCGCTGCTGCTGCCGCCG-3'
Protein context (NP_000465.1, residues 100-120): PQSYEELQTQ[Arg110=]VMANVRERQR

ClinVar aggregate classification (germline): Benign/Likely benign. Review status: criteria provided, multiple submitters, no conflicts (2 of 4 stars). 2 submissions from 2 submitters: Benign (1); Likely benign (1). Last evaluated 2025-06-29.

Conditions:
Saethre-Chotzen syndrome (SCS). Also called: ACROCEPHALY, SKULL ASYMMETRY, AND MILD SYNDACTYLY; ACS III; CHOTZEN SYNDROME. Identifiers: Orphanet 794, MedGen C0175699, MONDO:0007042, OMIM 101400.
TWIST1-related craniosynostosis (CRS1). Also called: CRANIOSYNOSTOSIS 1. Identifiers: Orphanet 63440, MedGen C4551902, MONDO:0007399, OMIM 123100. Inheritance: Heterogenous inheritance pattern.

Allele frequency attached by ClinVar (database versions not stated): TOPMed 0.00007; ESP Exome Variant Server 0.00008; gnomAD 0.00009 and 0.00011; gnomAD exomes 0.00017 and 0.00018; ExAC 0.00018; 1000 Genomes Project 0.00040; 1000 Genomes Project 30x 0.00047.
gnomAD v4.1: 274 of 1,609,740 alleles (0.017%); highest among the groups gnomAD compares: South Asian, 0.052%; 1 homozygote.

Submissions (2):

Labcorp Genetics (formerly Invitae), Labcorp
Classification: Benign for TWIST1-related craniosynostosis; Saethre-Chotzen syndrome. Last evaluated: 2025-06-29. Review status: criteria provided, single submitter. Criteria: Invitae Variant Classification Sherloc (09022015). Collection method: clinical testing. Allele origin: germline.

CeGaT Center for Human Genetics Tuebingen
Classification: Likely benign. Last evaluated: 2022-09-01. Review status: criteria provided, single submitter. Criteria: CeGaT Center For Human Genetics Tuebingen Variant Classification Criteria Version 2. Collection method: clinical testing. Allele origin: germline. Affected: yes. Observed: 1 variant allele.
Comment: TWIST1: BP4, BP7